The following is an entry in ClinVar:

ClinVar aggregate classification (germline): Uncertain significance (1 of 4 stars; one submission).

Conditions:
Hereditary cancer-predisposing syndrome. Also called: Hereditary Cancer Syndrome; Neoplastic Syndromes, Hereditary; Tumor predisposition; Hereditary neoplastic syndrome. Identifiers: Orphanet 140162, MedGen C0027672, MeSH D009386, MONDO:0015356.

Allele frequency attached by ClinVar (database versions not stated): gnomAD exomes below 0.00001.
gnomAD v4.1: 1 of 1,614,128 alleles (0.000062%); highest among the groups gnomAD compares: Non-Finnish European, 0.000085%; no homozygotes.

Submission:

Color Diagnostics, LLC DBA Color Health
Classification: Uncertain significance for Hereditary cancer-predisposing syndrome. Last evaluated: 2023-12-05. Review status: criteria provided, single submitter. Criteria: ACMG Guidelines, 2015. Collection method: clinical testing. Allele origin: germline.
Comment: This missense variant replaces lysine with asparagine at codon 1182 of the APC protein. Computational prediction is inconclusive regarding the impact of this variant on protein structure and function (internally defined REVEL score threshold 0.5 < inconclusive < 0.7, PMID: 27666373). To our knowledge, functional studies have not been reported for this variant. This variant has not been reported in individuals affected with APC-related disorders in the literature. This variant has not been identified in the general population by the Genome Aggregation Database (gnomAD). The available evidence is insufficient to determine the role of this variant in disease conclusively. Therefore, this variant is classified as a Variant of Uncertain Significance.

NM_000038.6(APC):c.3546A>C (p.Lys1182Asn)

Gene: APC (APC regulator of Wnt signaling pathway; plus strand). Cytogenetic location: 5q22.2.
Variant type: single nucleotide variant.
Coding change: c.3546A>C on transcript NM_000038.6 (MANE Select); coding-DNA position 3546, A replaced by C.
Protein change: p.Lys1182Asn; replaces lysine 1182 with asparagine.
Molecular consequence: missense variant.
Genome position (GRCh38, 1-based): chr5:112,839,140, A>C. VCF-style: chr5-112839140-A-C. GRCh37 (hg19) VCF-style: chr5-112174837-A-C.
Other names: c.3492A>C, p.Lys1164Asn (NM_001127511.3); c.3546A>C, p.Lys1182Asn (NM_001354895.2, NM_001127510.3); c.3576A>C, p.Lys1192Asn (NM_001354897.2); c.3600A>C, p.Lys1200Asn (NM_001354896.2); c.3471A>C, p.Lys1157Asn (NM_001354898.2); c.3462A>C, p.Lys1154Asn (NM_001354899.2); c.3423A>C, p.Lys1141Asn (NM_001354900.2); c.3369A>C, p.Lys1123Asn (NM_001354901.2); and 5 more; short protein forms K1164N, K1182N, K1123N, K1141N, K1157N, K1192N, K1056N, K1081N.
Identifiers: ClinVar variation 489441 (VCV000489441.6), dbSNP rs769950725, ClinGen allele CA16029125.
Genomic context (GRCh38, chr5:112,839,140, plus strand): 5'-TAGCATAAAATATAATGAAGAGAAACGTCATGTGGATCAGCCTATTGATTATAGTTTAAA[A>C]TATGCCACAGATATTCCTTCATCACAGAAACAGTCATTTTCATTCTCAAAGAGTTCATCT-3'
Protein context (NP_000029.2, residues 1172-1192): HVDQPIDYSL[Lys1182Asn]YATDIPSSQK